The following is an entry in ClinVar:

NM_000051.4(ATM):c.7555C>A (p.Leu2519Ile)

Genes: ATM (ATM serine/threonine kinase; plus strand), C11orf65 (chromosome 11 open reading frame 65; minus strand). Cytogenetic location: 11q22.3.
Variant type: single nucleotide variant.
Coding change: c.7555C>A on transcript NM_000051.4 (MANE Select); coding-DNA position 7555, C replaced by A.
Protein change: p.Leu2519Ile; replaces leucine 2519 with isoleucine.
Molecular consequence: missense variant. On other transcripts: non-coding transcript variant (1), intron variant (2).
Genome position (GRCh38, 1-based): chr11:108,331,483, C>A. VCF-style: chr11-108331483-C-A. GRCh37 (hg19) VCF-style: chr11-108202210-C-A.
Other names: c.7555C>A, p.Leu2519Ile (NM_001351834.2); c.641-22412G>T (NM_001330368.2); c.*38+3737G>T (NM_001351110.2); short protein forms L2519I.
Identifiers: ClinVar variation 853795 (VCV000853795.48), dbSNP rs1555124019, ClinGen allele CA382560715.

ClinVar aggregate classification (germline): Uncertain significance (1 of 4 stars; one submission).

Conditions:
Ataxia-telangiectasia syndrome (AT). Also called: ATAXIA-TELANGIECTASIA, COMPLEMENTATION GROUP A; ATAXIA-TELANGIECTASIA, FRESNO VARIANT; Ataxia-telangiectasia; Ataxia-telangiectasia, complementation group D; AT, COMPLEMENTATION GROUP C; Ataxia-telangiectasia, complementation group E. Identifiers: Orphanet 100, MedGen C0004135, MONDO:0008840, OMIM 208900.

Submission:

Labcorp Genetics (formerly Invitae), Labcorp
Classification: Uncertain significance for Ataxia-telangiectasia syndrome. Last evaluated: 2020-03-09. Review status: criteria provided, single submitter. Criteria: Invitae Variant Classification Sherloc (09022015). Collection method: clinical testing. Allele origin: germline.
Comment: In summary, the available evidence is currently insufficient to determine the role of this variant in disease. Therefore, it has been classified as a Variant of Uncertain Significance. Algorithms developed to predict the effect of missense changes on protein structure and function are either unavailable or do not agree on the potential impact of this missense change (SIFT: "Tolerated"; PolyPhen-2: "Possibly Damaging"; Align-GVGD: "Class C0"). This variant has not been reported in the literature in individuals with ATM-related conditions. This variant is not present in population databases (ExAC no frequency). This sequence change replaces leucine with isoleucine at codon 2519 of the ATM protein (p.Leu2519Ile). The leucine residue is highly conserved and there is a small physicochemical difference between leucine and isoleucine.